The following is an entry in ClinVar:

NM_003764.4(STX11):c.614A>G (p.Asn205Ser)

Gene: STX11 (syntaxin 11; plus strand). Cytogenetic location: 6q24.2.
Variant type: single nucleotide variant.
Coding change: c.614A>G on transcript NM_003764.4 (MANE Select); coding-DNA position 614, A replaced by G.
Protein change: p.Asn205Ser; replaces asparagine 205 with serine.
Molecular consequence: missense variant.
Genome position (GRCh38, 1-based): chr6:144,187,241, A>G. VCF-style: chr6-144187241-A-G. GRCh37 (hg19) VCF-style: chr6-144508378-A-G.
Other names: short protein forms N205S.
Identifiers: ClinVar variation 904512 (VCV000904512.9), dbSNP rs771215498, ClinGen allele CA4031747.

ClinVar aggregate classification (germline): Uncertain significance. Review status: criteria provided, multiple submitters, no conflicts (2 of 4 stars). 2 submissions from 2 submitters: Uncertain significance (2). Last evaluated 2022-06-13.

Conditions:
Familial hemophagocytic lymphohistiocytosis 4 (FHL4). Also called: STX11-Related Familial Hemophagocytic Lymphohistiocytosis (STX11-fHLH). Identifiers: Orphanet 540, MedGen C1863728, MONDO:0011336, OMIM 603552.

Allele frequency attached by ClinVar (database versions not stated): gnomAD 0.00001; ExAC 0.00002; gnomAD exomes 0.00002.
gnomAD v4.1: 13 of 1,613,612 alleles (0.00081%); highest among the groups gnomAD compares: East Asian, 0.022%; no homozygotes.

Submissions (2):

Labcorp Genetics (formerly Invitae), Labcorp
Classification: Uncertain significance for Familial hemophagocytic lymphohistiocytosis 4. Last evaluated: 2022-06-13. Review status: criteria provided, single submitter. Criteria: Invitae Variant Classification Sherloc (09022015). Collection method: clinical testing. Allele origin: germline.
Comment: This sequence change replaces asparagine, which is neutral and polar, with serine, which is neutral and polar, at codon 205 of the STX11 protein (p.Asn205Ser). This variant is present in population databases (rs771215498, gnomAD 0.006%). This variant has not been reported in the literature in individuals affected with STX11-related conditions. ClinVar contains an entry for this variant (Variation ID: 904512). Algorithms developed to predict the effect of missense changes on protein structure and function output the following: SIFT: "Tolerated"; PolyPhen-2: "Benign"; Align-GVGD: "Class C0". The serine amino acid residue is found in multiple mammalian species, which suggests that this missense change does not adversely affect protein function. Algorithms developed to predict the effect of sequence changes on RNA splicing suggest that this variant may create or strengthen a splice site. In summary, the available evidence is currently insufficient to determine the role of this variant in disease. Therefore, it has been classified as a Variant of Uncertain Significance.

Illumina Laboratory Services, Illumina
Classification: Uncertain significance for Familial hemophagocytic lymphohistiocytosis 4. Last evaluated: 2018-01-12. Review status: criteria provided, single submitter. Criteria: ICSL Variant Classification Criteria 13 December 2019. Collection method: clinical testing. Allele origin: germline.